The following is an entry in ClinVar:

ClinVar aggregate classification (germline): Benign. Review status: criteria provided, multiple submitters, no conflicts (2 of 4 stars). 2 submissions from 2 submitters: Benign (2). Last evaluated 2019-04-19.

Allele frequency attached by ClinVar (database versions not stated): ExAC 0.27100; gnomAD 0.30900 and 0.31325; gnomAD exomes 0.20853 and 0.24464; ESP Exome Variant Server 0.31562; TOPMed 0.32295; 1000 Genomes Project 0.34205; 1000 Genomes Project 30x 0.34931.
gnomAD v4.1: 349,790 of 1,597,532 alleles (22%); highest among the groups gnomAD compares: African/African-American, 57%; 44,118 homozygotes.

Submissions (2):

GeneDx
Classification: Benign. Last evaluated: 2019-04-19. Review status: criteria provided, single submitter. Criteria: GeneDx Variant Classification Process June 2021. Collection method: clinical testing. Allele origin: germline. Affected: yes.
Comment: This variant is associated with the following publications: (PMID: 30347494, 30143503, 29748334, 25293779)

Breakthrough Genomics
Classification: Benign. Review status: criteria provided, single submitter. Criteria: ACMG Guidelines, 2015. Collection method: not provided. Allele origin: germline. Inheritance: Unknown mechanism. Affected: yes.

NM_003950.4(F2RL3):c.358G>A (p.Ala120Thr)

Gene: F2RL3 (F2R like thrombin or trypsin receptor 3; plus strand). Cytogenetic location: 19p13.11.
Variant type: single nucleotide variant.
Coding change: c.358G>A on transcript NM_003950.4 (MANE Select); coding-DNA position 358, G replaced by A.
Protein change: p.Ala120Thr; replaces alanine 120 with threonine.
Molecular consequence: missense variant.
Genome position (GRCh38, 1-based): chr19:16,889,821, G>A. VCF-style: chr19-16889821-G-A. GRCh37 (hg19) VCF-style: chr19-17000632-G-A.
Other names: short protein forms A120T.
Identifiers: ClinVar variation 1182224 (VCV001182224.3), dbSNP rs773902, ClinGen allele CA9283888.